The following is an entry in ClinVar:

ClinVar aggregate classification (germline): Uncertain significance (1 of 4 stars; one submission).

Conditions:
Hypogonadotropic hypogonadism 25 with anosmia. Identifiers: MedGen C5394246, MONDO:0030010, OMIM 618841.

Submission:

Laboratorio de Genetica e Diagnostico Molecular, Hospital Israelita Albert Einstein
Classification: Uncertain significance for Hypogonadotropic hypogonadism 25 with anosmia. Last evaluated: 2025-02-07. Review status: criteria provided, single submitter. Criteria: ACMG Guidelines, 2015. Collection method: clinical testing. Allele origin: germline. Affected: yes.
Comment: ACMG classification criteria: PVS1 strong, PM2 supporting

NM_024574.4(NDNF):c.676_677insGAGA (p.Ala226fs)

Gene: NDNF (neuron derived neurotrophic factor; minus strand). Cytogenetic location: 4q27.
Variant type: Insertion.
Coding change: c.676_677insGAGA on transcript NM_024574.4 (MANE Select); coding-DNA positions 676 to 677, GAGA inserted.
Protein change: p.Ala226fs; shifts the reading frame from alanine 226.
Molecular consequence: frameshift variant.
Genome position: GRCh38 VCF-style: chr4-121037294-G-GTCTC. GRCh37 (hg19) VCF-style: chr4-121958449-G-GTCTC.
Other names: short protein forms A226fs.
Identifiers: ClinVar variation 4056642 (VCV004056642.1).
Genomic context (GRCh38, chr4:121,037,294, plus strand): 5'-TCCAGACCAGGTTTCGGTGCCATCATAAAAGCATCATCTGCACTCAGTTTTGCTTCCACT[G>GTCTC]CACAGAGACTTTTGAAATTGTGCTCTTTGTTGATGACCACACAGTACTGAATGGGTTGTT-3'